The following is an entry in ClinVar:

NM_001369.3(DNAH5):c.5245A>G (p.Ile1749Val)

Gene: DNAH5 (dynein axonemal heavy chain 5; minus strand). Cytogenetic location: 5p15.2.
Variant type: single nucleotide variant.
Coding change: c.5245A>G on transcript NM_001369.3 (MANE Select); coding-DNA position 5245, A replaced by G.
Protein change: p.Ile1749Val; replaces isoleucine 1749 with valine.
Molecular consequence: missense variant.
Genome position (GRCh38, 1-based): chr5:13,844,863, T>C on the plus strand (A>G on the coding strand, the complement: DNAH5 is on the minus strand). VCF-style: chr5-13844863-T-C. GRCh37 (hg19) VCF-style: chr5-13844972-T-C.
Other names: short protein forms I1749V.
Identifiers: ClinVar variation 1419318 (VCV001419318.6), dbSNP rs1423005409, ClinGen allele CA359213806.

ClinVar aggregate classification (germline): Uncertain significance. Review status: criteria provided, multiple submitters, no conflicts (2 of 4 stars). 2 submissions from 2 submitters: Uncertain significance (2). Last evaluated 2023-10-09.

Conditions:
Primary ciliary dyskinesia. Also called: Ciliary dyskinesia. Identifiers: Orphanet 244, MedGen C0008780, MONDO:0016575, HP:0012265.

Allele frequency attached by ClinVar (database versions not stated): gnomAD exomes below 0.00001.
gnomAD v4.1: 5 of 1,614,214 alleles (0.00031%); highest among the groups gnomAD compares: Non-Finnish European, 0.00034%; no homozygotes.

Submissions (2):

Blueprint Genetics
Classification: Uncertain significance. Last evaluated: 2023-10-09. Review status: criteria provided, single submitter. Criteria: ACMG Guidelines, 2015. Collection method: clinical testing. Allele origin: germline.

Labcorp Genetics (formerly Invitae), Labcorp
Classification: Uncertain significance for Primary ciliary dyskinesia. Last evaluated: 2021-08-24. Review status: criteria provided, single submitter. Criteria: Invitae Variant Classification Sherloc (09022015). Collection method: clinical testing. Allele origin: germline.
Comment: This sequence change replaces isoleucine with valine at codon 1749 of the DNAH5 protein (p.Ile1749Val). The isoleucine residue is moderately conserved and there is a small physicochemical difference between isoleucine and valine. This variant is not present in population databases (ExAC no frequency). This variant has not been reported in the literature in individuals affected with DNAH5-related conditions. Advanced modeling of protein sequence and biophysical properties (such as structural, functional, and spatial information, amino acid conservation, physicochemical variation, residue mobility, and thermodynamic stability) performed at Invitae indicates that this missense variant is not expected to disrupt DNAH5 protein function. In summary, the available evidence is currently insufficient to determine the role of this variant in disease. Therefore, it has been classified as a Variant of Uncertain Significance.